The following is an entry in ClinVar:

ClinVar aggregate classification (germline): Uncertain significance (1 of 4 stars; one submission).

Conditions:
Tuberous sclerosis 2 (TSC2). Identifiers: Orphanet 805, MedGen C1860707, MONDO:0013199, OMIM 613254.

Submission:

Labcorp Genetics (formerly Invitae), Labcorp
Classification: Uncertain significance for Tuberous sclerosis 2. Last evaluated: 2024-10-06. Review status: criteria provided, single submitter. Criteria: Invitae Variant Classification Sherloc (09022015). Collection method: clinical testing. Allele origin: germline.
Comment: This sequence change replaces asparagine, which is neutral and polar, with lysine, which is basic and polar, at codon 1214 of the TSC2 protein (p.Asn1214Lys). This variant is not present in population databases (gnomAD no frequency). This variant has not been reported in the literature in individuals affected with TSC2-related conditions. Invitae Evidence Modeling of protein sequence and biophysical properties (such as structural, functional, and spatial information, amino acid conservation, physicochemical variation, residue mobility, and thermodynamic stability) indicates that this missense variant is not expected to disrupt TSC2 protein function with a negative predictive value of 95%. In summary, the available evidence is currently insufficient to determine the role of this variant in disease. Therefore, it has been classified as a Variant of Uncertain Significance.

NM_000548.5(TSC2):c.3642C>A (p.Asn1214Lys)

Gene: TSC2 (TSC complex subunit 2; plus strand). Cytogenetic location: 16p13.3.
Variant type: single nucleotide variant.
Coding change: c.3642C>A on transcript NM_000548.5 (MANE Select); coding-DNA position 3642, C replaced by A.
Protein change: p.Asn1214Lys; replaces asparagine 1214 with lysine.
Molecular consequence: missense variant. On other transcripts: non-coding transcript variant (5).
Genome position (GRCh38, 1-based): chr16:2,081,626, C>A. VCF-style: chr16-2081626-C-A. GRCh37 (hg19) VCF-style: chr16-2131627-C-A.
Other names: c.3402C>A, p.Asn1134Lys (NM_001318827.2); c.3366C>A, p.Asn1122Lys (NM_001318829.2); c.2910C>A, p.Asn970Lys (NM_001318831.2, NM_001406687.1, NM_001406688.1); c.3543C>A, p.Asn1181Lys (NM_001318832.2); c.3513C>A, p.Asn1171Lys (NM_001363528.2, NM_001370405.1, NM_021055.3); c.3510C>A, p.Asn1170Lys (NM_001370404.1, NM_001406665.1, NM_001077183.3); c.3639C>A, p.Asn1213Lys (NM_001406663.1, NM_001406664.1); c.3642C>A, p.Asn1214Lys (NM_001114382.3); and 18 more; short protein forms N1014K, N1017K, N1164K, N1166K, N1167K, N1181K, N971K, N1121K.
Identifiers: ClinVar variation 2708855 (VCV002708855.3), dbSNP rs2151481160, ClinGen allele CA394291873.